The following is an entry in ClinVar:

NM_000182.5(HADHA):c.1249_1259del (p.Ala416_Leu417insTer)

Genes: GAREM2 (GRB2 associated regulator of MAPK1 subtype 2; plus strand), HADHA (hydroxyacyl-CoA dehydrogenase trifunctional multienzyme complex subunit alpha; minus strand). Cytogenetic location: 2p23.3.
Variant type: Deletion.
Coding change: c.1249_1259del on transcript NM_000182.5 (MANE Select); coding-DNA positions 1249 to 1259, 11 bases deleted (CTAACATCATT).
Protein change: p.Ala416_Leu417insTer.
Molecular consequence: nonsense.
Genome position (GRCh38, 1-based): chr2:26,201,282-26,201,292, AATGATGTTAG deleted on the plus strand (CTAACATCATT on the coding strand, the reverse complement: HADHA is on the minus strand); deleting any 11 consecutive bases within chr2:26,201,282-26,201,293 gives the same sequence; the c. name uses the placement nearest the transcript's 3' end. VCF-style (leftmost placement, unchanged base first): chr2-26201281-AAATGATGTTAG-A. GRCh37 (hg19) VCF-style: chr2-26424150-AAATGATGTTAG-A.
Identifiers: ClinVar variation 4081703 (VCV004081703.1).

ClinVar aggregate classification (germline): Pathogenic (1 of 4 stars; one submission).

Conditions:
Long chain 3-hydroxyacyl-CoA dehydrogenase deficiency. Also called: Deficiency of long-chain 3-hydroxyacyl-coenzyme A dehydrogenase; LCHAD Deficiency. Identifiers: Orphanet 5, MedGen C3711645, MONDO:0012173, OMIM 609016.

Submission:

Myriad Genetics, Inc.
Classification: Pathogenic for Long chain 3-hydroxyacyl-CoA dehydrogenase deficiency. Last evaluated: 2025-06-24. Review status: criteria provided, single submitter. Criteria: Myriad Autosomal Dominant, Autosomal Recessive and X-Linked Classification Criteria (2023). Collection method: clinical testing. Allele origin: unknown.
Comment: NM_000182.4(HADHA):c.1249_1259del11(L417*) is a frameshift variant classified as pathogenic in the context of HADHA-related disorders. L417* has not been observed in cases with relevant disease. Relevant functional assessments of this variant are not available in the literature. L417* has not been observed in referenced population frequency databases. In summary, NM_000182.4(HADHA):c.1249_1259del11(L417*) is a frameshift variant in a gene where loss of function is a known mechanism of disease and is predicted to disrupt protein function. Please note: this variant was assessed in the context of healthy population screening.